The following is an entry in ClinVar:

NM_004329.3(BMPR1A):c.553A>G (p.Ser185Gly)

Gene: BMPR1A (bone morphogenetic protein receptor type 1A; plus strand). Cytogenetic location: 10q23.2.
Variant type: single nucleotide variant.
Coding change: c.553A>G on transcript NM_004329.3 (MANE Select); coding-DNA position 553, A replaced by G.
Protein change: p.Ser185Gly; replaces serine 185 with glycine.
Molecular consequence: missense variant. On other transcripts: non-coding transcript variant (3), intron variant (1).
Genome position (GRCh38, 1-based): chr10:86,912,262, A>G. VCF-style: chr10-86912262-A-G. GRCh37 (hg19) VCF-style: chr10-88672019-A-G.
Other names: c.553A>G, p.Ser185Gly (NM_001406578.1, NM_001406579.1, NM_001406580.1 and 20 more transcripts); c.469A>G, p.Ser157Gly (NM_001406584.1, NM_001406585.1, NM_001406586.1 and 2 more transcripts); c.334-4872A>G (NM_001406589.1); c.628A>G, p.Ser210Gly (NM_001406559.1); c.601A>G, p.Ser201Gly (NM_001406560.1); short protein forms S157G, S201G, S185G, S210G.
Identifiers: ClinVar variation 3696323 (VCV003696323.3).
Genomic context (GRCh38, chr10:86,912,262, plus strand): 5'-TCATTTTTAATGTAGATTGTTTTCTGCTTTTTTAAAAGACATTATTGCAAGAGCATCTCA[A>G]GCAGACGTCGTTACAATCGTGATTTGGAACAGGATGAAGCATTTATTCCAGTTGGAGAAT-3'
Protein context (NP_004320.2, residues 175-195): CYKHYCKSIS[Ser185Gly]RRRYNRDLEQ

ClinVar aggregate classification (germline): Uncertain significance. Review status: criteria provided, multiple submitters, no conflicts (2 of 4 stars). 2 submissions from 2 submitters: Uncertain significance (2). Last evaluated 2024-05-06.

Conditions:
Hereditary cancer-predisposing syndrome. Also called: Tumor predisposition; Hereditary neoplastic syndrome; Hereditary Cancer Syndrome; Neoplastic Syndromes, Hereditary. Identifiers: Orphanet 140162, MedGen C0027672, MeSH D009386, MONDO:0015356.
Juvenile polyposis syndrome (JPS). Identifiers: Orphanet 2929, MedGen C0345893, MONDO:0017380, OMIM 174900.

Submissions (2):

Labcorp Genetics (formerly Invitae), Labcorp
Classification: Uncertain significance for Juvenile polyposis syndrome. Last evaluated: 2024-05-06. Review status: criteria provided, single submitter. Criteria: Invitae Variant Classification Sherloc (09022015). Collection method: clinical testing. Allele origin: germline.
Comment: This sequence change replaces serine, which is neutral and polar, with glycine, which is neutral and non-polar, at codon 185 of the BMPR1A protein (p.Ser185Gly). This variant is not present in population databases (gnomAD no frequency). This variant has not been reported in the literature in individuals affected with BMPR1A-related conditions. Advanced modeling of protein sequence and biophysical properties (such as structural, functional, and spatial information, amino acid conservation, physicochemical variation, residue mobility, and thermodynamic stability) performed at Invitae indicates that this missense variant is not expected to disrupt BMPR1A protein function with a negative predictive value of 80%. In summary, the available evidence is currently insufficient to determine the role of this variant in disease. Therefore, it has been classified as a Variant of Uncertain Significance.

Color Diagnostics, LLC DBA Color Health
Classification: Uncertain significance for Hereditary cancer-predisposing syndrome. Last evaluated: 2023-12-05. Review status: criteria provided, single submitter. Criteria: ACMG Guidelines, 2015. Collection method: clinical testing. Allele origin: germline.
Comment: This missense variant replaces serine with glycine at codon 185 of the BMPR1A protein. Computational prediction suggests that this variant may not impact protein structure and function. To our knowledge, functional studies have not been reported for this variant. This variant has not been reported in individuals affected with BMPR1A-related disorders in the literature. This variant has not been identified in the general population by the Genome Aggregation Database (gnomAD). The available evidence is insufficient to determine the role of this variant in disease conclusively. Therefore, this variant is classified as a Variant of Uncertain Significance.